The following is an entry in ClinVar:

NM_002397.5(MEF2C):c.1101-3C>T

Gene: MEF2C (myocyte enhancer factor 2C; minus strand). Cytogenetic location: 5q14.3.
Variant type: single nucleotide variant.
Coding change: c.1101-3C>T on transcript NM_002397.5 (MANE Select); 3 bases into the intron before coding-DNA position 1101, C replaced by T.
Molecular consequence: intron variant.
Genome position (GRCh38, 1-based): chr5:88,722,928, G>A on the plus strand (C>T on the coding strand, the complement: MEF2C is on the minus strand). VCF-style: chr5-88722928-G-A. GRCh37 (hg19) VCF-style: chr5-88018745-G-A.
Other names: c.1101-3C>T (NM_001364329.2, NM_001364330.2, NM_001193350.2 and 1 more transcripts); c.1077-3C>T (NM_001364333.2, NM_001308002.3); c.957-3C>T (NM_001364344.2); c.723-3C>T (NM_001364353.2); c.1071-3C>T (NM_001131005.2); c.1131-3C>T (NM_001193347.1); c.1101-99C>T (NM_001364334.2, NM_001364335.2, NM_001364337.2 and 2 more transcripts); c.1101-101C>T (NM_001364345.2, NM_001364347.2, NM_001364346.2); and 10 more.
Identifiers: ClinVar variation 2663144 (VCV002663144.1), dbSNP rs2546733297, ClinGen allele CA2695198685.

ClinVar aggregate classification (germline): Uncertain significance (1 of 4 stars; one submission).

Submission:

GeneDx
Classification: Uncertain significance. Last evaluated: 2023-05-09. Review status: criteria provided, single submitter. Criteria: GeneDx Variant Classification Process June 2021. Collection method: clinical testing. Allele origin: germline. Affected: yes.
Comment: Not observed at significant frequency in large population cohorts (gnomAD); Has not been previously published as pathogenic or benign to our knowledge; In silico analysis is inconclusive as to whether the variant alters gene splicing. In the absence of RNA/functional studies, the actual effect of this sequence change is unknown.